The following is an entry in ClinVar:

NM_032603.5(LOXL3):c.2170G>A (p.Val724Met)

Gene: LOXL3 (lysyl oxidase like 3; minus strand). Cytogenetic location: 2p13.1.
Variant type: single nucleotide variant.
Coding change: c.2170G>A on transcript NM_032603.5 (MANE Select); coding-DNA position 2170, G replaced by A.
Protein change: p.Val724Met; replaces valine 724 with methionine.
Molecular consequence: missense variant.
Genome position (GRCh38, 1-based): chr2:74,533,900, C>T on the plus strand (G>A on the coding strand, the complement: LOXL3 is on the minus strand). VCF-style: chr2-74533900-C-T. GRCh37 (hg19) VCF-style: chr2-74761027-C-T.
Other names: c.1735G>A, p.Val579Met (NM_001289164.3); c.1087G>A, p.Val363Met (NM_001289165.2); short protein forms V724M, V363M, V579M.
Identifiers: ClinVar variation 1422569 (VCV001422569.6), dbSNP rs755391218, ClinGen allele CA1728692.

ClinVar aggregate classification (germline): Uncertain significance (1 of 4 stars; one submission).

Allele frequency attached by ClinVar (database versions not stated): gnomAD exomes 0.00001 and 0.00002; ExAC 0.00002.
gnomAD v4.1: 10 of 1,613,894 alleles (0.00062%); highest among the groups gnomAD compares: South Asian, 0.0088%; no homozygotes.

Submission:

Labcorp Genetics (formerly Invitae), Labcorp
Classification: Uncertain significance. Last evaluated: 2024-11-05. Review status: criteria provided, single submitter. Criteria: Invitae Variant Classification Sherloc (09022015). Collection method: clinical testing. Allele origin: germline.
Comment: This sequence change replaces valine, which is neutral and non-polar, with methionine, which is neutral and non-polar, at codon 724 of the LOXL3 protein (p.Val724Met). This variant is present in population databases (rs755391218, gnomAD 0.01%). This variant has not been reported in the literature in individuals affected with LOXL3-related conditions. ClinVar contains an entry for this variant (Variation ID: 1422569). An algorithm developed to predict the effect of missense changes on protein structure and function (PolyPhen-2) suggests that this variant is likely to be tolerated. In summary, the available evidence is currently insufficient to determine the role of this variant in disease. Therefore, it has been classified as a Variant of Uncertain Significance.